The following is an entry in ClinVar:

NM_001943.5(DSG2):c.710T>C (p.Leu237Ser)

Gene: DSG2 (desmoglein 2; plus strand). Cytogenetic location: 18q12.1.
Variant type: single nucleotide variant.
Coding change: c.710T>C on transcript NM_001943.5 (MANE Select); coding-DNA position 710, T replaced by C.
Protein change: p.Leu237Ser; replaces leucine 237 with serine.
Molecular consequence: missense variant.
Genome position (GRCh38, 1-based): chr18:31,524,467, T>C. VCF-style: chr18-31524467-T-C. GRCh37 (hg19) VCF-style: chr18-29104430-T-C.
Other names: c.710T>C (NM_001943.3); short protein forms L237S.
Identifiers: ClinVar variation 1172296 (VCV001172296.4), dbSNP rs1299782741, ClinGen allele CA402134886.

ClinVar aggregate classification (germline): Uncertain significance. Review status: criteria provided, multiple submitters, no conflicts (2 of 4 stars). 2 submissions from 2 submitters: Uncertain significance (2). Last evaluated 2026-04-25.

Conditions:
Cardiomyopathy (CMYO). Also called: Cardiomyopathies. Identifiers: Orphanet 167848, MedGen C0878544, MONDO:0004994, HP:0001638. Inheritance: Various modes of inheritance.

Allele frequency attached by ClinVar (database versions not stated): gnomAD exomes below 0.00001.
gnomAD v4.1: 2 of 1,614,134 alleles (0.00012%); highest among the groups gnomAD compares: African/African-American, 0.0013%; no homozygotes.

Submissions (2):

GeneDx
Classification: Uncertain significance. Last evaluated: 2026-04-25. Review status: criteria provided, single submitter. Criteria: GeneDx Variant Classification Process June 2021. Collection method: clinical testing. Allele origin: germline.
Comment: Not observed at significant frequency in large population cohorts (gnomAD); In silico analysis supports that this missense variant has a deleterious effect on protein structure/function; Has not been previously published as pathogenic or benign to our knowledge

Color Diagnostics, LLC DBA Color Health
Classification: Uncertain significance for Cardiomyopathy. Last evaluated: 2024-03-07. Review status: criteria provided, single submitter. Criteria: ACMG Guidelines, 2015. Collection method: clinical testing. Allele origin: germline.
Comment: This missense variant replaces leucine with serine at codon 237 of the DSG2 protein. Computational prediction is inconclusive regarding the impact of this variant on protein structure and function (internally defined REVEL score threshold 0.5 < inconclusive < 0.7, PMID: 27666373). To our knowledge, functional studies have not been reported for this variant. This variant has not been reported in individuals affected with cardiovascular disorders in the literature. This variant has been identified in 1/31414 chromosomes in the general population by the Genome Aggregation Database (gnomAD). The available evidence is insufficient to determine the role of this variant in disease conclusively. Therefore, this variant is classified as a Variant of Uncertain Significance.